The following is an entry in ClinVar:

ClinVar aggregate classification (germline): Uncertain significance (1 of 4 stars; one submission).

Submission:

GeneDx
Classification: Uncertain significance. Last evaluated: 2022-07-11. Review status: criteria provided, single submitter. Criteria: GeneDx Variant Classification Process June 2021. Collection method: clinical testing. Allele origin: germline. Affected: yes.
Comment: Not observed at significant frequency in large population cohorts (gnomAD); In silico analysis supports that this missense variant does not alter protein structure/function; Has not been previously published as pathogenic or benign to our knowledge

NM_152416.4(NDUFAF6):c.22T>C (p.Ser8Pro)

Genes: NDUFAF6 (NADH:ubiquinone oxidoreductase complex assembly factor 6; plus strand), LOC113788297 (Sharpr-MPRA regulatory region 2014; plus strand). Cytogenetic location: 8q22.1.
Variant type: single nucleotide variant.
Coding change: c.22T>C on transcript NM_152416.4 (MANE Select); coding-DNA position 22, T replaced by C.
Protein change: p.Ser8Pro; replaces serine 8 with proline.
Molecular consequence: missense variant. On other transcripts: 5 prime UTR variant (12), non-coding transcript variant (6), intron variant (7).
Genome position (GRCh38, 1-based): chr8:95,025,030, T>C. VCF-style: chr8-95025030-T-C. GRCh37 (hg19) VCF-style: chr8-96037258-T-C.
Other names: c.-259T>C (NM_001330582.2, NM_001354521.2); c.-212T>C (NM_001354517.2); c.-431T>C (NM_001354518.2); c.-427T>C (NM_001354519.2); c.-776T>C (NM_001354527.2); c.-747T>C (NM_001354528.2); c.-559T>C (NM_001354529.2); c.-661T>C (NM_001354530.2); and 8 more; short protein forms S8P.
Identifiers: ClinVar variation 1878918 (VCV001878918.1), dbSNP rs1827906295, ClinGen allele CA371742206.
Genomic context (GRCh38, chr8:95,025,030, plus strand): 5'-CCGACGGCGGGGGGTCGAAGGGCACGCAGTGCCGGCGTCATGGCGGCCTCCGCGCACGGC[T>C]CTGTCTGGGGGCCGTTGCGGCTTGGCATCCCCGGCCTGTGCTGCCGCCGGCCGCCTCTGG-3'
Protein context (NP_689629.2, residues 1-18): MAASAHG[Ser8Pro]VWGPLRLGIP